The following is an entry in ClinVar:

NM_003640.5(ELP1):c.3827T>C (p.Leu1276Pro)

Gene: ELP1 (elongator acetyltransferase complex subunit 1; minus strand). Cytogenetic location: 9q31.3.
Variant type: single nucleotide variant.
Coding change: c.3827T>C on transcript NM_003640.5 (MANE Select); coding-DNA position 3827, T replaced by C.
Protein change: p.Leu1276Pro; replaces leucine 1276 with proline.
Molecular consequence: missense variant.
Genome position (GRCh38, 1-based): chr9:108,878,023, A>G on the plus strand (T>C on the coding strand, the complement: ELP1 is on the minus strand). VCF-style: chr9-108878023-A-G. GRCh37 (hg19) VCF-style: chr9-111640303-A-G.
Other names: c.3485T>C, p.Leu1162Pro (NM_001318360.2); c.2780T>C, p.Leu927Pro (NM_001330749.2); short protein forms L927P, L1162P, L1276P.
Identifiers: ClinVar variation 859112 (VCV000859112.7), dbSNP rs558588647, ClinGen allele CA5174179.

ClinVar aggregate classification (germline): Uncertain significance. Review status: criteria provided, multiple submitters, no conflicts (2 of 4 stars). 4 submissions from 4 submitters: Uncertain significance (3). 1 of the submissions does not count toward it. Last evaluated 2023-12-09.

Conditions:
Familial dysautonomia. Also called: HSAN III; FD. Identifiers: Orphanet 1764, MedGen C0013364, MONDO:0009131, OMIM 223900. Disease mechanism: loss of function.
Medulloblastoma (MDB). Also called: MEDULLOBLASTOMA PREDISPOSITION SYNDROME; Medulloblastoma, somatic. Identifiers: Orphanet 616, MedGen C0025149, MeSH D008527, MONDO:0007959, OMIM 155255, HP:0002885.

Allele frequency attached by ClinVar (database versions not stated): ExAC 0.00001; gnomAD 0.00002 and 0.00003; gnomAD exomes 0.00002; TOPMed 0.00002; 1000 Genomes Project 0.00020; 1000 Genomes Project 30x 0.00031.
gnomAD v4.1: 20 of 1,614,220 alleles (0.0012%); highest among the groups gnomAD compares: South Asian, 0.012%; no homozygotes.

Submissions (4):

Ambry Genetics
Classification: Uncertain significance. Last evaluated: 2023-12-09. Review status: criteria provided, single submitter. Criteria: Ambry Variant Classification Scheme 2023. Collection method: clinical testing. Allele origin: germline.

Fulgent Genetics
Classification: Uncertain significance for Medulloblastoma; Familial dysautonomia. Last evaluated: 2022-04-22. Review status: criteria provided, single submitter. Criteria: ACMG Guidelines, 2015. Collection method: clinical testing. Allele origin: unknown.

Labcorp Genetics (formerly Invitae), Labcorp
Classification: Uncertain significance. Last evaluated: 2021-08-27. Review status: criteria provided, single submitter. Criteria: Invitae Variant Classification Sherloc (09022015). Collection method: clinical testing. Allele origin: germline.
Comment: This sequence change replaces leucine with proline at codon 1276 of the ELP1 protein (p.Leu1276Pro). The leucine residue is weakly conserved and there is a moderate physicochemical difference between leucine and proline. This variant is present in population databases (rs558588647, ExAC 0.006%). This variant has not been reported in the literature in individuals affected with ELP1-related conditions. Algorithms developed to predict the effect of missense changes on protein structure and function output the following: SIFT: "Tolerated"; PolyPhen-2: "Benign"; Align-GVGD: "Class C0". The proline amino acid residue is found in multiple mammalian species, which suggests that this missense change does not adversely affect protein function. In summary, the available evidence is currently insufficient to determine the role of this variant in disease. Therefore, it has been classified as a Variant of Uncertain Significance.

Natera, Inc.
Classification: Uncertain significance for Hereditary sensory and autonomic neuropathy type III. Last evaluated: 2020-01-17. Review status: no assertion criteria provided. Collection method: clinical testing. Allele origin: germline. Not counted in ClinVar's aggregate classification.